The following is an entry in ClinVar:

ClinVar aggregate classification (germline): Uncertain significance (1 of 4 stars; one submission).

Submission:

Labcorp Genetics (formerly Invitae), Labcorp
Classification: Uncertain significance. Last evaluated: 2023-08-04. Review status: criteria provided, single submitter. Criteria: Invitae Variant Classification Sherloc (09022015). Collection method: clinical testing. Allele origin: germline.
Comment: This sequence change replaces glutamic acid, which is acidic and polar, with glutamine, which is neutral and polar, at codon 53 of the CNGA3 protein (p.Glu53Gln). In summary, the available evidence is currently insufficient to determine the role of this variant in disease. Therefore, it has been classified as a Variant of Uncertain Significance. Advanced modeling of protein sequence and biophysical properties (such as structural, functional, and spatial information, amino acid conservation, physicochemical variation, residue mobility, and thermodynamic stability) has been performed at Invitae for this missense variant, however the output from this modeling did not meet the statistical confidence thresholds required to predict the impact of this variant on CNGA3 protein function. ClinVar contains an entry for this variant (Variation ID: 1468644). This variant has not been reported in the literature in individuals affected with CNGA3-related conditions. This variant is not present in population databases (gnomAD no frequency).

NM_001298.3(CNGA3):c.157G>C (p.Glu53Gln)

Gene: CNGA3 (cyclic nucleotide gated channel subunit alpha 3; plus strand). Cytogenetic location: 2q11.2.
Variant type: single nucleotide variant.
Coding change: c.157G>C on transcript NM_001298.3 (MANE Select); coding-DNA position 157, G replaced by C.
Protein change: p.Glu53Gln; replaces glutamic acid 53 with glutamine.
Molecular consequence: missense variant.
Genome position (GRCh38, 1-based): chr2:98,377,742, G>C. VCF-style: chr2-98377742-G-C. GRCh37 (hg19) VCF-style: chr2-98994205-G-C.
Other names: c.157G>C, p.Glu53Gln (NM_001079878.2); short protein forms E53Q.
Identifiers: ClinVar variation 1468644 (VCV001468644.6), dbSNP rs2104198026, ClinGen allele CA347830401.
Genomic context (GRCh38, chr2:98,377,742, plus strand): 5'-CCTAGAGCCCACTCGTCAAGTGAGGAGACATCGTCAGTGCTGCAGCCGGGGATCGCCATG[G>C]AGACCAGAGGACTGGCTGACTCCGGGCAGGGCTCCTTCACCGGCCAGGGGATCGCCAGGT-3'
Protein context (NP_001289.1, residues 43-63): SSVLQPGIAM[Glu53Gln]TRGLADSGQG